The following is an entry in ClinVar:

NM_002439.5(MSH3):c.358+4A>T

Gene: MSH3 (mutS homolog 3; plus strand). Cytogenetic location: 5q14.1.
Variant type: single nucleotide variant.
Coding change: c.358+4A>T on transcript NM_002439.5 (MANE Select); 4 bases into the intron after coding-DNA position 358, A replaced by T.
Molecular consequence: intron variant.
Genome position (GRCh38, 1-based): chr5:80,656,535, A>T. VCF-style: chr5-80656535-A-T. GRCh37 (hg19) VCF-style: chr5-79952354-A-T.
Other names: c.358+4A>T (NM_002439.3).
Identifiers: ClinVar variation 1520933 (VCV001520933.7), dbSNP rs1749294111, ClinGen allele CA2573140050.

ClinVar aggregate classification (germline): Uncertain significance. Review status: criteria provided, multiple submitters, no conflicts (2 of 4 stars). 2 submissions from 2 submitters: Uncertain significance (2). Last evaluated 2024-10-29.

Conditions:
Hereditary cancer-predisposing syndrome. Also called: Hereditary neoplastic syndrome; Hereditary Cancer Syndrome; Tumor predisposition; Neoplastic Syndromes, Hereditary. Identifiers: Orphanet 140162, MedGen C0027672, MeSH D009386, MONDO:0015356.

Submissions (2):

Ambry Genetics
Classification: Uncertain significance for Hereditary cancer-predisposing syndrome. Last evaluated: 2024-10-29. Review status: criteria provided, single submitter. Criteria: Ambry Variant Classification Scheme 2023. Collection method: clinical testing. Allele origin: germline.
Comment: The c.358+4A>T intronic variant results from an A to T substitution 4 nucleotides after coding exon 2 in the MSH3 gene. This nucleotide position is highly conserved in available vertebrate species. In silico splice site analysis predicts that this alteration may weaken the native splice donor site. Based on the available evidence, the clinical significance of this variant remains unclear.

Labcorp Genetics (formerly Invitae), Labcorp
Classification: Uncertain significance. Last evaluated: 2021-02-03. Review status: criteria provided, single submitter. Criteria: Invitae Variant Classification Sherloc (09022015). Collection method: clinical testing. Allele origin: germline.
Comment: This sequence change falls in intron 2 of the MSH3 gene. It does not directly change the encoded amino acid sequence of the MSH3 protein. It affects a nucleotide within the consensus splice site of the intron. This variant is not present in population databases (ExAC no frequency). This variant has not been reported in the literature in individuals with MSH3-related conditions. Nucleotide substitutions within the consensus splice site are a relatively common cause of aberrant splicing (PMID: 17576681, 9536098). Algorithms developed to predict the effect of sequence changes on RNA splicing suggest that this variant may disrupt the consensus splice site, but this prediction has not been confirmed by published transcriptional studies. In summary, the available evidence is currently insufficient to determine the role of this variant in disease. Therefore, it has been classified as a Variant of Uncertain Significance.

Literature cited by the submitters: PubMed 17576681 (cited by Labcorp Genetics (formerly Invitae), Labcorp); PubMed 9536098 (cited by Labcorp Genetics (formerly Invitae), Labcorp).